The following is an entry in ClinVar:

ClinVar aggregate classification (germline): Uncertain significance. Review status: criteria provided, multiple submitters, no conflicts (2 of 4 stars). 2 submissions from 2 submitters: Uncertain significance (2). Last evaluated 2025-03-14.

Conditions:
Baller-Gerold syndrome (BGS). Also called: CRANIOSYNOSTOSIS WITH RADIAL DEFECTS. Identifiers: Orphanet 1225, MedGen C0265308, MONDO:0009039, OMIM 218600.
Inborn genetic diseases. Identifiers: MedGen C0950123, MeSH D030342.

Allele frequency attached by ClinVar (database versions not stated): gnomAD exomes below 0.00001.
gnomAD v4.1: 1 of 1,612,666 alleles (0.000062%); highest among the groups gnomAD compares: Non-Finnish European, 0.000085%; no homozygotes.

Submissions (2):

Labcorp Genetics (formerly Invitae), Labcorp
Classification: Uncertain significance for Baller-Gerold syndrome. Last evaluated: 2025-03-14. Review status: criteria provided, single submitter. Criteria: Invitae Variant Classification Sherloc (09022015). Collection method: clinical testing. Allele origin: germline.
Comment: This sequence change replaces glutamic acid, which is acidic and polar, with alanine, which is neutral and non-polar, at codon 407 of the RECQL4 protein (p.Glu407Ala). This variant is not present in population databases (gnomAD no frequency). This variant has not been reported in the literature in individuals affected with RECQL4-related conditions. ClinVar contains an entry for this variant (Variation ID: 646167). Invitae Evidence Modeling of protein sequence and biophysical properties (such as structural, functional, and spatial information, amino acid conservation, physicochemical variation, residue mobility, and thermodynamic stability) indicates that this missense variant is not expected to disrupt RECQL4 protein function with a negative predictive value of 80%. In summary, the available evidence is currently insufficient to determine the role of this variant in disease. Therefore, it has been classified as a Variant of Uncertain Significance.

Ambry Genetics
Classification: Uncertain significance for Inborn genetic diseases. Last evaluated: 2024-11-24. Review status: criteria provided, single submitter. Criteria: Ambry Variant Classification Scheme 2023. Collection method: clinical testing. Allele origin: germline.
Comment: The p.E407A variant (also known as c.1220A>C), located in coding exon 6 of the RECQL4 gene, results from an A to C substitution at nucleotide position 1220. The glutamic acid at codon 407 is replaced by alanine, an amino acid with dissimilar properties. This amino acid position is conserved. In addition, this alteration is predicted to be tolerated by in silico analysis. Based on the available evidence, the clinical significance of this variant remains unclear.

NM_004260.4(RECQL4):c.1220A>C (p.Glu407Ala)

Gene: RECQL4 (RecQ like helicase 4; minus strand). Cytogenetic location: 8q24.3.
Variant type: single nucleotide variant.
Coding change: c.1220A>C on transcript NM_004260.4 (MANE Select); coding-DNA position 1220, A replaced by C.
Protein change: p.Glu407Ala; replaces glutamic acid 407 with alanine.
Molecular consequence: missense variant.
Genome position (GRCh38, 1-based): chr8:144,515,802, T>G on the plus strand (A>C on the coding strand, the complement: RECQL4 is on the minus strand). VCF-style: chr8-144515802-T-G. GRCh37 (hg19) VCF-style: chr8-145741186-T-G.
Other names: short protein forms E407A.
Identifiers: ClinVar variation 646167 (VCV000646167.8), dbSNP rs1564804098, ClinGen allele CA372687424.